The following is an entry in ClinVar:

NM_000051.4(ATM):c.4139A>G (p.His1380Arg)

Gene: ATM (ATM serine/threonine kinase; plus strand). Cytogenetic location: 11q22.3.
Variant type: single nucleotide variant.
Coding change: c.4139A>G on transcript NM_000051.4 (MANE Select); coding-DNA position 4139, A replaced by G.
Protein change: p.His1380Arg; replaces histidine 1380 with arginine.
Molecular consequence: missense variant.
Genome position (GRCh38, 1-based): chr11:108,289,006, A>G. VCF-style: chr11-108289006-A-G. GRCh37 (hg19) VCF-style: chr11-108159733-A-G.
Other names: c.4139A>G, p.His1380Arg (NM_001351834.2); short protein forms H1380R.
Identifiers: ClinVar variation 964039 (VCV000964039.10), dbSNP rs2082640431, ClinGen allele CA382529901.

ClinVar aggregate classification (germline): Uncertain significance. Review status: criteria provided, multiple submitters, no conflicts (2 of 4 stars). 2 submissions from 2 submitters: Uncertain significance (2). Last evaluated 2025-11-03.

Conditions:
Hereditary cancer-predisposing syndrome. Also called: Neoplastic Syndromes, Hereditary; Hereditary neoplastic syndrome; Hereditary Cancer Syndrome; Tumor predisposition. Identifiers: Orphanet 140162, MedGen C0027672, MeSH D009386, MONDO:0015356.
Ataxia-telangiectasia syndrome (AT). Also called: LOUIS-BAR SYNDROME; Ataxia telangiectasia (A-T); Ataxia-telangiectasia, complementation group D; AT, COMPLEMENTATION GROUP C; Cerebello-oculocutaneous telangiectasia; Immunodeficiency with ataxia telangiectasia. Identifiers: Orphanet 100, MedGen C0004135, MONDO:0008840, OMIM 208900.

Allele frequency attached by ClinVar (database versions not stated): gnomAD exomes below 0.00001.
gnomAD v4.1: 1 of 1,613,524 alleles (0.000062%); highest among the groups gnomAD compares: East Asian, 0.0022%; no homozygotes.

Submissions (2):

Institute for Biomarker Research, Medical Diagnostic Laboratories, L.L.C.
Classification: Uncertain significance for Hereditary cancer-predisposing syndrome. Last evaluated: 2025-11-03. Review status: criteria provided, single submitter. Criteria: ACMG Guidelines, 2015. Collection method: clinical testing. Allele origin: germline.
Comment: The missense variant NM_000051.4(ATM):c.4139A>G (p.His1380Arg) has not been reported previously as a pathogenic variant, to our knowledge. TThere is a small physicochemical difference between histidine and arginine, which is not likely to impact secondary protein structure as these residues share similar properties. The gene ATM has a low rate of benign missense variation as indicated by a high missense variants Z-Score of 2.52. The p.His1380Arg missense variant is predicted to be damaging by both SIFT and PolyPhen2. The nucleotide c.4139 in ATM is predicted conserved by GERP++ and PhyloP across 100 vertebrates. For these reasons, this variant has been classified as Uncertain Significance.

Labcorp Genetics (formerly Invitae), Labcorp
Classification: Uncertain significance for Ataxia-telangiectasia syndrome. Last evaluated: 2019-11-15. Review status: criteria provided, single submitter. Criteria: Invitae Variant Classification Sherloc (09022015). Collection method: clinical testing. Allele origin: germline.
Comment: This sequence change replaces histidine with arginine at codon 1380 of the ATM protein (p.His1380Arg). The histidine residue is weakly conserved and there is a small physicochemical difference between histidine and arginine. This variant is not present in population databases (ExAC no frequency). This variant has not been reported in the literature in individuals with ATM-related conditions. Algorithms developed to predict the effect of missense changes on protein structure and function (SIFT, PolyPhen-2, Align-GVGD) all suggest that this variant is likely to be tolerated, but these predictions have not been confirmed by published functional studies and their clinical significance is uncertain. In summary, the available evidence is currently insufficient to determine the role of this variant in disease. Therefore, it has been classified as a Variant of Uncertain Significance.